The following is an entry in ClinVar:

ClinVar aggregate classification (germline): Uncertain significance. Review status: criteria provided, multiple submitters, no conflicts (2 of 4 stars). 4 submissions from 4 submitters: Uncertain significance (3). 1 of the submissions does not count toward it. Last evaluated 2025-08-13.

Conditions:
Inborn genetic diseases. Identifiers: MedGen C0950123, MeSH D030342.

Allele frequency attached by ClinVar (database versions not stated): ExAC 0.00007; gnomAD 0.00007 and 0.00008; ESP Exome Variant Server 0.00008; TOPMed 0.00010.
gnomAD v4.1: 69 of 1,613,532 alleles (0.0043%); highest among the groups gnomAD compares: Non-Finnish European, 0.0051%; no homozygotes.

Submissions (4):

Ambry Genetics
Classification: Uncertain significance for Inborn genetic diseases. Last evaluated: 2025-08-13. Review status: criteria provided, single submitter. Criteria: Ambry Variant Classification Scheme 2023. Collection method: clinical testing. Allele origin: germline.

Blueprint Genetics
Classification: Uncertain significance. Last evaluated: 2024-09-12. Review status: criteria provided, single submitter. Criteria: ACMG Guidelines, 2015. Collection method: clinical testing. Allele origin: germline.

Labcorp Genetics (formerly Invitae), Labcorp
Classification: Uncertain significance. Last evaluated: 2024-04-22. Review status: criteria provided, single submitter. Criteria: Invitae Variant Classification Sherloc (09022015). Collection method: clinical testing. Allele origin: germline.
Comment: This sequence change replaces arginine, which is basic and polar, with glutamine, which is neutral and polar, at codon 557 of the MERTK protein (p.Arg557Gln). This variant is present in population databases (rs374078768, gnomAD 0.03%). This variant has not been reported in the literature in individuals affected with MERTK-related conditions. ClinVar contains an entry for this variant (Variation ID: 1010355). Advanced modeling of protein sequence and biophysical properties (such as structural, functional, and spatial information, amino acid conservation, physicochemical variation, residue mobility, and thermodynamic stability) performed at Invitae indicates that this missense variant is expected to disrupt MERTK protein function with a positive predictive value of 80%. In summary, the available evidence is currently insufficient to determine the role of this variant in disease. Therefore, it has been classified as a Variant of Uncertain Significance.

Department of Pathology and Laboratory Medicine, Sinai Health System
Classification: Uncertain significance. Review status: no assertion criteria provided. Collection method: clinical testing. Allele origin: unknown. Affected: yes. Study: The Canadian Open Genetics Repository (COGR). Not counted in ClinVar's aggregate classification.
Comment: The MERTK p.Arg557Gln variant was not identified in the literature nor was it identified in ClinVar or Cosmic. The variant was identified in dbSNP (ID: rs374078768) and LOVD 3.0. The variant was identified in control databases in 15 of 282776 chromosomes at a frequency of 0.000053 (Genome Aggregation Database Feb 27, 2017). The variant was observed in the following populations: Ashkenazi Jewish in 3 of 10366 chromosomes (freq: 0.000289), European (non-Finnish) in 10 of 129110 chromosomes (freq: 0.000077), African in 1 of 24962 chromosomes (freq: 0.00004) and European (Finnish) in 1 of 25116 chromosomes (freq: 0.00004); it was not observed in the Latino, East Asian, Other, and South Asian populations. The p.Arg557 residue is conserved across mammals and other organisms, and four out of five computational analyses (PolyPhen-2, SIFT, AlignGVGD, BLOSUM, MutationTaster) suggest that the variant may impact the protein; however, this information is not predictive enough to assume pathogenicity. The variant occurs outside of the splicing consensus sequence and 2 of 4 in silico or computational prediction software programs (SpliceSiteFinder, MaxEntScan) predict a greater than 10% difference in splicing and the creation of a new 3' splice site; this is not very predictive of pathogenicity. In summary, based on the above information the clinical significance of this variant cannot be determined with certainty at this time. This variant is classified as a variant of uncertain significance.

NM_006343.3(MERTK):c.1670G>A (p.Arg557Gln)

Gene: MERTK (MER proto-oncogene, tyrosine kinase; plus strand). Cytogenetic location: 2q13.
Variant type: single nucleotide variant.
Coding change: c.1670G>A on transcript NM_006343.3 (MANE Select); coding-DNA position 1670, G replaced by A.
Protein change: p.Arg557Gln; replaces arginine 557 with glutamine.
Molecular consequence: missense variant.
Genome position (GRCh38, 1-based): chr2:112,001,266, G>A. VCF-style: chr2-112001266-G-A. GRCh37 (hg19) VCF-style: chr2-112758843-G-A.
Other names: c.1670G>A (NM_006343.2); short protein forms R557Q.
Identifiers: ClinVar variation 1010355 (VCV001010355.10), dbSNP rs374078768, ClinGen allele CA1831498.
Genomic context (GRCh38, chr2:112,001,266, plus strand): 5'-CATTCACAGAGGAGGATTCTGAATTAGTGGTGAATTATATAGCAAAGAAATCCTTCTGTC[G>A]GCGAGCCATTGAACTTACCTGTAAGTTGACTTTCATTTCCCTTTTTGGCAAAAGTTAAAA-3'
Protein context (NP_006334.2, residues 547-567): VNYIAKKSFC[Arg557Gln]RAIELTLHSL